The following is an entry in ClinVar:

NM_000091.5(COL4A3):c.3390_3391delinsCT (p.Gly1131Cys)

Genes: COL4A3 (collagen type IV alpha 3 chain; plus strand), MFF-DT (MFF divergent transcript; minus strand). Cytogenetic location: 2q36.3.
Variant type: Indel.
Coding change: c.3390_3391delinsCT on transcript NM_000091.5 (MANE Select); coding-DNA positions 3390 to 3391, GG replaced by CT.
Protein change: p.Gly1131Cys; replaces glycine 1131 with cysteine.
Molecular consequence: missense variant.
Genome position (GRCh38, 1-based): chr2:227,294,542-227,294,543, GG replaced by CT. VCF-style: chr2-227294542-GG-CT. GRCh37 (hg19) VCF-style: chr2-228159258-GG-CT.
Other names: short protein forms G1131C.
Identifiers: ClinVar variation 4887705 (VCV004887705.1).

ClinVar aggregate classification (germline): Uncertain significance (1 of 4 stars; one submission).

Submission:

Women's Health and Genetics/Laboratory Corporation of America, LabCorp
Classification: Uncertain significance. Last evaluated: 2026-06-24. Review status: criteria provided, single submitter. Criteria: LabCorp Variant Classification Summary - May 2015. Collection method: clinical testing. Allele origin: germline.
Comment: Variant summary: COL4A3 c.3390_3391delinsCT (p.Gly1131Cys) results in a non-conservative amino acid change in the encoded protein sequence. Algorithms developed to predict the effect of missense changes on protein structure and function are either unavailable or do not agree on the potential impact of this missense change. The variant was absent in 1613294 control chromosomes. The available data on variant occurrences in the general population are insufficient to allow any conclusion about variant significance. To our knowledge, no occurrence of c.3390_3391delinsCT in individuals affected with COL4A3-related conditions and no experimental evidence demonstrating its impact on protein function have been reported. No submitters have cited clinical-significance assessments for this variant to ClinVar. Based on the evidence outlined above, the variant was classified as uncertain significance.